The following is an entry in ClinVar:

ClinVar aggregate classification (germline): Conflicting classifications of pathogenicity. Review status: criteria provided, conflicting classifications (1 of 4 stars). 6 submissions from 6 submitters: Uncertain significance (3); Likely benign (3). Last evaluated 2026-01-18.

Conditions:
Holoprosencephaly 7 (HPE7). Identifiers: Orphanet 2162, MedGen C1835820, MONDO:0012562, OMIM 610828.
Basal cell nevus syndrome 1 (BCNS1). Also called: GORLIN-GOLTZ SYNDROME; MULTIPLE BASAL CELL NEVI, ODONTOGENIC KERATOCYSTS, AND SKELETAL ANOMALIES. Identifiers: MedGen CN376810, MONDO:0958174, OMIM 109400.
Basal cell carcinoma, susceptibility to, 1. Also called: BCC1. Identifiers: MedGen C2751544, MONDO:0011556, OMIM 605462.
Hereditary cancer-predisposing syndrome. Also called: Neoplastic Syndromes, Hereditary; Tumor predisposition; Hereditary Cancer Syndrome; Hereditary neoplastic syndrome. Identifiers: Orphanet 140162, MedGen C0027672, MeSH D009386, MONDO:0015356.
Gorlin syndrome. Also called: Nevoid Basal Cell Carcinoma Syndrome; Basal cell nevus syndrome. Identifiers: Orphanet 377, MedGen C0004779, MONDO:0007187.
PTCH1-related disorder. Also called: PTCH1-related disorders; PTCH1-related condition.

Allele frequency attached by ClinVar (database versions not stated): TOPMed 0.00006.
gnomAD v4.1: 341 of 1,603,018 alleles (0.021%); highest among the groups gnomAD compares: Non-Finnish European, 0.028%; no homozygotes.

Submissions (6):

Labcorp Genetics (formerly Invitae), Labcorp
Classification: Likely benign for Gorlin syndrome. Last evaluated: 2026-01-18. Review status: criteria provided, single submitter. Criteria: Invitae Variant Classification Sherloc (09022015). Collection method: clinical testing. Allele origin: germline.

Quest Diagnostics Nichols Institute San Juan Capistrano
Classification: Uncertain significance. Last evaluated: 2025-06-02. Review status: criteria provided, single submitter. Criteria: Quest Diagnostics criteria. Collection method: clinical testing. Allele origin: unknown.
Comment: The PTCH1 c.113G>C (p.Gly38Ala) variant has not been reported in individuals with PTCH1-related conditions in the published literature. The frequency of this variant in the general population (Genome Aggregation Database) is higher than would generally be expected for pathogenic variants in this gene. Analysis of this variant using bioinformatics tools for the prediction of the effect of amino acid changes on protein structure and function yielded conflicting predictions that this variant is deleterious or benign. Based on the available information, we are unable to determine the clinical significance of this variant.

PreventionGenetics, part of Exact Sciences
Classification: Likely benign for PTCH1-related condition. Last evaluated: 2025-04-22. Review status: criteria provided, single submitter. Criteria: ACMG Guidelines, 2015. Collection method: clinical testing. Allele origin: germline.
Comment: This variant is classified as likely benign based on ACMG/AMP sequence variant interpretation guidelines (Richards et al. 2015 PMID: 25741868, with internal and published modifications).

Fulgent Genetics
Classification: Uncertain significance for Basal cell nevus syndrome 1; Basal cell carcinoma, susceptibility to, 1; Holoprosencephaly 7. Last evaluated: 2024-02-03. Review status: criteria provided, single submitter. Criteria: ACMG Guidelines, 2015. Collection method: clinical testing. Allele origin: germline.

GeneDx
Classification: Uncertain significance. Last evaluated: 2023-05-10. Review status: criteria provided, single submitter. Criteria: GeneDx Variant Classification Process June 2021. Collection method: clinical testing. Allele origin: germline. Affected: yes.
Comment: In silico analysis supports that this missense variant does not alter protein structure/function; Observed in individual(s) with breast cancer (Chen et al., 2020); This variant is associated with the following publications: (PMID: 32091409)

Ambry Genetics
Classification: Likely benign for Hereditary cancer-predisposing syndrome. Last evaluated: 2021-03-23. Review status: criteria provided, single submitter. Criteria: Ambry Variant Classification Scheme 2023. Collection method: clinical testing. Allele origin: germline.

NM_000264.5(PTCH1):c.113G>C (p.Gly38Ala)

Genes: PTCH1 (patched 1; minus strand), LOC130002133 (ATAC-STARR-seq lymphoblastoid silent region 20071; plus strand). Cytogenetic location: 9q22.32.
Variant type: single nucleotide variant.
Coding change: c.113G>C on transcript NM_000264.5 (MANE Select); coding-DNA position 113, G replaced by C.
Protein change: p.Gly38Ala; replaces glycine 38 with alanine.
Molecular consequence: missense variant. On other transcripts: non-coding transcript variant (1), intron variant (3).
Genome position (GRCh38, 1-based): chr9:95,508,249, C>G on the plus strand (G>C on the coding strand, the complement: PTCH1 is on the minus strand). VCF-style: chr9-95508249-C-G. GRCh37 (hg19) VCF-style: chr9-98270531-C-G.
Other names: c.113G>C, p.Gly38Ala (NM_001354918.2); c.199-1650G>C (NM_001083603.3); c.4-1650G>C (NM_001083602.3, NM_001354919.2); c.113G>C (NM_000264.4); short protein forms G38A.
Identifiers: ClinVar variation 220411 (VCV000220411.22), dbSNP rs143494325, ClinGen allele CA350340.
Genomic context (GRCh38, chr9:95,508,249, plus strand): 5'-GCGTCGCAGTAGCTGGGCCGGTGCAGATAGTCCCGGTCCGGCGCGGCAGCACGGCGCAGC[C>G]CCCCCGTCCGTCTGCGCCTCCCGCCTCCAGCCGGCCGTCCCGGGGCACCGATACAGCCGC-3'
Protein context (NP_000255.2, residues 28-48): AGGGRRRRTG[Gly38Ala]LRRAAAPDRD